The following is an entry in ClinVar:

ClinVar aggregate classification (germline): Likely benign. Review status: criteria provided, multiple submitters, no conflicts (2 of 4 stars). 2 submissions from 2 submitters: Likely benign (2). Last evaluated 2026-08-01.

Submissions (2):

CeGaT Center for Human Genetics Tuebingen
Classification: Likely benign. Last evaluated: 2026-08-01. Review status: criteria provided, single submitter. Criteria: CeGaT Center For Human Genetics Tuebingen Variant Classification Criteria Version 2. Collection method: clinical testing. Allele origin: germline. Affected: yes. Observed: 2 variant alleles.
Comment: KMT2C: BP4, BS1

Laboratory of Genetics, Children's Clinical University Hospital Latvia
Classification: Likely benign. Last evaluated: 2025-02-16. Review status: criteria provided, single submitter. Criteria: ACMG Guidelines, 2015. Collection method: clinical testing. Allele origin: germline. Affected: yes.

NM_170606.3(KMT2C):c.7443-7_7443-6dup

Gene: KMT2C (lysine methyltransferase 2C; minus strand). Cytogenetic location: 7q36.1.
Variant type: Duplication.
Coding change: c.7443-7_7443-6dup on transcript NM_170606.3 (MANE Select); 7 bases into the intron before coding-DNA position 7443 through 6 bases into the intron before coding-DNA position 7443, 2 bases duplicated (TT; older notation c.7443-7_7443-6dupTT).
Molecular consequence: intron variant.
Genome position (GRCh38, 1-based): chr7:152,178,016-152,178,017, AA duplicated on the plus strand (TT on the coding strand, the reverse complement: KMT2C is on the minus strand); duplicating any 2 consecutive bases within chr7:152,178,016-152,178,042 gives the same sequence; the c. name uses the placement nearest the transcript's 3' end. VCF-style (leftmost placement, unchanged base first): chr7-152178015-T-TAA. GRCh37 (hg19) VCF-style: chr7-151875100-T-TAA.
Identifiers: ClinVar variation 3910655 (VCV003910655.2).